The following is an entry in ClinVar:

NM_001567.4(INPPL1):c.433T>C (p.Ser145Pro)

Gene: INPPL1 (inositol polyphosphate phosphatase like 1; plus strand). Cytogenetic location: 11q13.4.
Variant type: single nucleotide variant.
Coding change: c.433T>C on transcript NM_001567.4 (MANE Select); coding-DNA position 433, T replaced by C.
Protein change: p.Ser145Pro; replaces serine 145 with proline.
Molecular consequence: missense variant.
Genome position (GRCh38, 1-based): chr11:72,228,762, T>C. VCF-style: chr11-72228762-T-C. GRCh37 (hg19) VCF-style: chr11-71939806-T-C.
Other names: c.433T>C, p.Ser145Pro (NM_001440434.1, NM_001440435.1, NM_001440436.1 and 2 more transcripts); short protein forms S145P.
Identifiers: ClinVar variation 4533884 (VCV004533884.6).

ClinVar aggregate classification (germline): Uncertain significance (1 of 4 stars; one submission).

gnomAD v4.1: 1 of 1,611,330 alleles (0.000062%); no homozygotes.

Submission:

CeGaT Center for Human Genetics Tuebingen
Classification: Uncertain significance. Last evaluated: 2025-10-01. Review status: criteria provided, single submitter. Criteria: CeGaT Center For Human Genetics Tuebingen Variant Classification Criteria Version 2. Collection method: clinical testing. Allele origin: germline. Affected: yes. Observed: 1 variant allele.
Comment: INPPL1: PM2